The following is an entry in ClinVar:

ClinVar aggregate classification (germline): Uncertain significance (1 of 4 stars; one submission).

gnomAD v4.1: 1 of 1,613,878 alleles (0.000062%); highest among the groups gnomAD compares: Admixed American, 0.0017%; no homozygotes.

Submission:

GeneDx
Classification: Uncertain significance. Last evaluated: 2025-06-13. Review status: criteria provided, single submitter. Criteria: GeneDx Variant Classification Process June 2021. Collection method: clinical testing. Allele origin: germline. Affected: yes.
Comment: Not observed at significant frequency in large population cohorts (gnomAD); In silico analysis suggests that this missense variant does not alter protein structure/function; Has not been previously published as pathogenic or benign to our knowledge

NM_017780.4(CHD7):c.627G>C (p.Arg209Ser)

Gene: CHD7 (chromodomain helicase DNA binding protein 7; plus strand). Cytogenetic location: 8q12.2.
Variant type: single nucleotide variant.
Coding change: c.627G>C on transcript NM_017780.4 (MANE Select); coding-DNA position 627, G replaced by C.
Protein change: p.Arg209Ser; replaces arginine 209 with serine.
Molecular consequence: missense variant.
Genome position (GRCh38, 1-based): chr8:60,742,059, G>C. VCF-style: chr8-60742059-G-C. GRCh37 (hg19) VCF-style: chr8-61654618-G-C.
Other names: c.627G>C, p.Arg209Ser (NM_001316690.1); short protein forms R209S.
Identifiers: ClinVar variation 4537738 (VCV004537738.1).